The following is an entry in ClinVar:

ClinVar aggregate classification (germline): Uncertain significance (1 of 4 stars; one submission).

gnomAD v4.1: 12 of 1,612,954 alleles (0.00074%); highest among the groups gnomAD compares: African/African-American, 0.015%; no homozygotes.

Submission:

Labcorp Genetics (formerly Invitae), Labcorp
Classification: Uncertain significance. Last evaluated: 2025-07-08. Review status: criteria provided, single submitter. Criteria: Invitae Variant Classification Sherloc (09022015). Collection method: clinical testing. Allele origin: germline.
Comment: This sequence change replaces proline, which is neutral and non-polar, with histidine, which is basic and polar, at codon 983 of the DUOX2 protein (p.Pro983His). This variant is present in population databases (rs139507531, gnomAD 0.02%). This variant has not been reported in the literature in individuals affected with DUOX2-related conditions. Invitae Evidence Modeling of protein sequence and biophysical properties (such as structural, functional, and spatial information, amino acid conservation, physicochemical variation, residue mobility, and thermodynamic stability) indicates that this missense variant is not expected to disrupt DUOX2 protein function with a negative predictive value of 95%. In summary, the available evidence is currently insufficient to determine the role of this variant in disease. Therefore, it has been classified as a Variant of Uncertain Significance.

NM_001363711.2(DUOX2):c.2948C>A (p.Pro983His)

Gene: DUOX2 (dual oxidase 2; minus strand). Cytogenetic location: 15q21.1.
Variant type: single nucleotide variant.
Coding change: c.2948C>A on transcript NM_001363711.2 (MANE Select); coding-DNA position 2948, C replaced by A.
Protein change: p.Pro983His; replaces proline 983 with histidine.
Molecular consequence: missense variant.
Genome position (GRCh38, 1-based): chr15:45,100,812, G>T on the plus strand (C>A on the coding strand, the complement: DUOX2 is on the minus strand). VCF-style: chr15-45100812-G-T. GRCh37 (hg19) VCF-style: chr15-45393010-G-T.
Other names: c.2948C>A, p.Pro983His (NM_014080.5); short protein forms P983H.
Identifiers: ClinVar variation 4753618 (VCV004753618.1).